The following is an entry in ClinVar:

NM_000020.3(ACVRL1):c.145del (p.Ala49fs)

Gene: ACVRL1 (activin A receptor like type 1; plus strand). Cytogenetic location: 12q13.13.
Variant type: Deletion.
Coding change: c.145del on transcript NM_000020.3 (MANE Select); coding-DNA position 145, one base deleted (G; older notation c.145delG).
Protein change: p.Ala49fs; shifts the reading frame from alanine 49.
Molecular consequence: frameshift variant.
Genome position (GRCh38, 1-based): chr12:51,913,182, G deleted; the last of 6 consecutive G bases (chr12:51,913,177-51,913,182); deleting any one gives the same sequence. VCF-style (leftmost placement, unchanged base first): chr12-51913176-CG-C. GRCh37 (hg19) VCF-style: chr12-52306960-CG-C.
Other names: c.145del, p.Ala49fs (NM_001077401.2); c.145delG (NM_000020.2); short protein forms A49fs.
Identifiers: ClinVar variation 568436 (VCV000568436.10), dbSNP rs863223415, ClinGen allele CA891843493.

ClinVar aggregate classification (germline): Pathogenic. Review status: criteria provided, multiple submitters, no conflicts (2 of 4 stars). 3 submissions from 3 submitters: Pathogenic (3). Last evaluated 2025-10-28.

Conditions:
Cardiovascular phenotype. Identifiers: MedGen CN230736.
ACVRL1-related disorder. Also called: ACVRL1-related condition; ACVRL1-related disorders.
Telangiectasia, hereditary hemorrhagic, type 2 (HHT2). Also called: ACVRL1-Related Hereditary Hemorrhagic Telangiectasia; Telangiectasia, hereditary hemorrhagic, type II. Identifiers: Orphanet 774, MedGen C1838163, MONDO:0010880, OMIM 600376. Disease mechanism: loss of function.

Submissions (3):

Labcorp Genetics (formerly Invitae), Labcorp
Classification: Pathogenic for Telangiectasia, hereditary hemorrhagic, type 2. Last evaluated: 2025-10-28. Review status: criteria provided, single submitter. Criteria: Invitae Variant Classification Sherloc (09022015). Collection method: clinical testing. Allele origin: germline.
Comment: This sequence change creates a premature translational stop signal (p.Ala49Profs*5) in the ACVRL1 gene. It is expected to result in an absent or disrupted protein product. Loss-of-function variants in ACVRL1 are known to be pathogenic (PMID: 15879500). This variant is not present in population databases (gnomAD no frequency). This premature translational stop signal has been observed in individuals with hereditary hemorrhagic telangiectasia (PMID: 12114496). ClinVar contains an entry for this variant (Variation ID: 568436). For these reasons, this variant has been classified as Pathogenic.

Ambry Genetics
Classification: Pathogenic for Cardiovascular phenotype. Last evaluated: 2024-09-06. Review status: criteria provided, single submitter. Criteria: Ambry Variant Classification Scheme 2023. Collection method: clinical testing. Allele origin: germline.
Comment: The c.145delG pathogenic mutation, located in coding exon 2 of the ACVRL1 gene, results from a deletion of one nucleotide at nucleotide position 145, causing a translational frameshift with a predicted alternate stop codon (p.A49Pfs*5). This pathogenic mutation was identified in an individual presenting with epistaxis and telangienctasias (Olivieri C, J. Med. Genet. 2002 Jul; 39(7):E39). This variant is considered to be rare based on population cohorts in the Genome Aggregation Database (gnomAD). In addition to the clinical data presented in the literature, this alteration is expected to result in loss of function by premature protein truncation or nonsense-mediated mRNA decay. As such, this alteration is interpreted as a disease-causing mutation.

Blueprint Genetics
Classification: Pathogenic for ACVRL1-related disorders. Last evaluated: 2023-11-10. Review status: criteria provided, single submitter. Criteria: ACMG Guidelines, 2015. Collection method: clinical testing. Allele origin: germline. Affected: yes. Observed: 2 variant alleles.

Literature cited by the submitters: PubMed 15879500 (cited by Labcorp Genetics (formerly Invitae), Labcorp); PubMed 12114496 (cited by Labcorp Genetics (formerly Invitae), Labcorp and Ambry Genetics).